The following is an entry in ClinVar:

ClinVar aggregate classification (germline): Uncertain significance (1 of 4 stars; one submission).

Conditions:
Hypertrophic cardiomyopathy. Also called: HYPERTROPHIC MYOCARDIOPATHY. Identifiers: Orphanet 217569, MedGen C0007194, MeSH D002312, MONDO:0005045, HP:0001639.

Submission:

Labcorp Genetics (formerly Invitae), Labcorp
Classification: Uncertain significance for Hypertrophic cardiomyopathy. Last evaluated: 2025-08-18. Review status: criteria provided, single submitter. Criteria: Invitae Variant Classification Sherloc (09022015). Collection method: clinical testing. Allele origin: germline.
Comment: This sequence change replaces glycine, which is neutral and non-polar, with arginine, which is basic and polar, at codon 1249 of the MYBPC3 protein (p.Gly1249Arg). This variant is not present in population databases (gnomAD no frequency). This variant has not been reported in the literature in individuals affected with MYBPC3-related conditions. An algorithm developed to predict the effect of missense changes on protein structure and function (PolyPhen-2) suggests that this variant is likely to be disruptive. In summary, the available evidence is currently insufficient to determine the role of this variant in disease. Therefore, it has been classified as a Variant of Uncertain Significance.

NM_000256.3(MYBPC3):c.3745G>C (p.Gly1249Arg)

Gene: MYBPC3 (myosin binding protein C3; minus strand). Cytogenetic location: 11p11.2.
Variant type: single nucleotide variant.
Coding change: c.3745G>C on transcript NM_000256.3 (MANE Select); coding-DNA position 3745, G replaced by C.
Protein change: p.Gly1249Arg; replaces glycine 1249 with arginine.
Molecular consequence: missense variant.
Genome position (GRCh38, 1-based): chr11:47,332,141, C>G on the plus strand (G>C on the coding strand, the complement: MYBPC3 is on the minus strand). VCF-style: chr11-47332141-C-G. GRCh37 (hg19) VCF-style: chr11-47353692-C-G.
Other names: short protein forms G1249R.
Identifiers: ClinVar variation 4717047 (VCV004717047.1).